The following is an entry in ClinVar:

NM_000934.4(SERPINF2):c.927C>T (p.Asn309=)

Gene: SERPINF2 (serpin family F member 2; plus strand). Cytogenetic location: 17p13.3.
Variant type: single nucleotide variant.
Coding change: c.927C>T on transcript NM_000934.4 (MANE Select); coding-DNA position 927, C replaced by T.
Protein change: p.Asn309=; no amino-acid change (asparagine 309 retained).
Molecular consequence: synonymous variant.
Genome position (GRCh38, 1-based): chr17:1,752,654, C>T. VCF-style: chr17-1752654-C-T. GRCh37 (hg19) VCF-style: chr17-1655948-C-T.
Other names: c.927C>T, p.Asn309= (NM_001165920.1); c.735C>T, p.Asn245= (NM_001165921.2).
Identifiers: ClinVar variation 2647210 (VCV002647210.25), dbSNP rs144496567, ClinGen allele CA8274352.
Genomic context (GRCh38, chr17:1,752,654, plus strand): 5'-TTTCCCCTTTAAGAACAACATGAGCTTTGTGGTCCTTGTACCCACCCACTTTGAATGGAA[C>T]GTGTCCCAGGTACTGGCCAACCTGAGTTGGGACACCCTGCACCCACCTCTGGTGTGGGAG-3'
Protein context (NP_000925.2, residues 299-319): VVLVPTHFEW[Asn309=]VSQVLANLSW

ClinVar aggregate classification (germline): Likely benign. Review status: criteria provided, multiple submitters, no conflicts (2 of 4 stars). 2 submissions from 2 submitters: Likely benign (2). Last evaluated 2024-11-15.

Allele frequency attached by ClinVar (database versions not stated): 1000 Genomes Project 30x 0.00016; 1000 Genomes Project 0.00020; gnomAD 0.00023; gnomAD exomes 0.00037; ESP Exome Variant Server 0.00046.
gnomAD v4.1: 571 of 1,614,214 alleles (0.035%); highest among the groups gnomAD compares: South Asian, 0.2%; 2 homozygotes.

Submissions (2):

Blueprint Genetics
Classification: Likely benign. Last evaluated: 2024-11-15. Review status: criteria provided, single submitter. Criteria: ACMG Guidelines, 2015. Collection method: clinical testing. Allele origin: germline.

CeGaT Center for Human Genetics Tuebingen
Classification: Likely benign. Last evaluated: 2023-06-01. Review status: criteria provided, single submitter. Criteria: CeGaT Center For Human Genetics Tuebingen Variant Classification Criteria Version 2. Collection method: clinical testing. Allele origin: germline. Affected: yes. Observed: 1 variant allele.
Comment: SERPINF2: BP4